The following is an entry in ClinVar:

ClinVar aggregate classification (germline): Likely benign. Review status: reviewed by expert panel (3 of 4 stars). 9 submissions from 9 submitters: Likely benign (1). 8 of the submissions do not count toward it. Last evaluated 2025-01-07.

Conditions:
DICER1-related disorder. Also called: DICER1-related condition.
Global developmental delay - lung cysts - overgrowth - Wilms tumor syndrome. Also called: GLOBAL DEVELOPMENTAL DELAY, LUNG CYSTS, OVERGROWTH, AND WILMS TUMOR; GLOW Syndrome. Identifiers: Orphanet 404476, MedGen C4748924, MONDO:0018445, OMIM 618272.
DICER1-related tumor predisposition. Also called: DICER1 syndrome; DICER1-related pleuropulmonary blastoma cancer predisposition syndrome. Identifiers: Orphanet 284343, MedGen C3839822, MONDO:0100216.
Hereditary cancer-predisposing syndrome. Also called: Neoplastic Syndromes, Hereditary; Tumor predisposition; Hereditary Cancer Syndrome; Hereditary neoplastic syndrome. Identifiers: Orphanet 140162, MedGen C0027672, MeSH D009386, MONDO:0015356.

Allele frequency attached by ClinVar (database versions not stated): gnomAD exomes 0.00002 and 0.00003; gnomAD 0.00004 and 0.00005; TOPMed 0.00005.
gnomAD v4.1: 42 of 1,613,822 alleles (0.0026%); highest among the groups gnomAD compares: African/African-American, 0.011%; no homozygotes.

Submissions (9):

ClinGen DICER1 and miRNA-Processing Gene Variant Curation Expert Panel, ClinGen
Classification: Likely benign for DICER1-related tumor predisposition. Last evaluated: 2025-01-07. Review status: reviewed by expert panel. Criteria: ClinGen DICER1 ACMG Specifications DICER1 V1.3.0. Collection method: curation. Allele origin: germline. Inheritance: Autosomal dominant inheritance.
Comment: The NM_177438.3:c.2951A>G variant in DICER1 is a missense variant predicted to cause substitution of asparagine by serine at amino acid 984 (p.Asn984Ser). Although this variant has been observed in germline cases, to our knowledge, this variant has not been reported in individuals with DICER1-related tumor predisposition (PS4 not met; Internal lab contributors). This variant has been seen in 40 or more unrelated females without tumors through age 50 in at least one testing laboratory (BS2; Internal lab contributors). The total allele frequency in gnomAD v4.1.0 is 0.00002603 (42/1613822 alleles) with a highest population minor allele frequency of 0.0001068 (8/74908 alleles) in the African/African American population (PM2_Supporting, BS1, and BA1 are not met). Two different missense variants, c.2950A>C (p.Asn984His) and c.2952C>A (p.Asn984Lys), in the same codon have been reported (ClinVar Variation ID: 2716149, 1015034). However, these variants have not yet met the criteria to be classified as pathogenic by the ClinGen DICER VCEP (PM5 not met). In silico tools predict no damaging impact of the variant on protein function (REVEL: 0.136; MaxEntScan and SpliceAI: no effect on splicing) (BP4). In summary, this variant meets the criteria to be classified as likely benign for DICER1-related tumor predisposition based on the ACMG/AMP criteria applied, as specified by the ClinGen DICER1 VCEP: BS2, BP4. (Bayesian Points: -5; VCEP specifications version 1.3.0; 01/07/2025).

PreventionGenetics, part of Exact Sciences
Classification: Uncertain significance for DICER1-related condition. Last evaluated: 2026-07-17. Review status: criteria provided, single submitter. Criteria: ACMG Guidelines, 2015. Collection method: clinical testing. Allele origin: germline. Not counted in ClinVar's aggregate classification.
Comment: The DICER1 c.2951A>G variant is predicted to result in the amino acid substitution p.Asn984Ser. To our knowledge, this variant has not been reported in the literature. This variant is reported in 0.020% of alleles in individuals of African descent in gnomAD. This variant has interpretations of likely benign and uncertain significance in ClinVar (variation ID: 412193). At this time, the clinical significance of this variant is uncertain due to the absence of conclusive functional and genetic evidence.

Labcorp Genetics (formerly Invitae), Labcorp
Classification: Likely benign for DICER1-related tumor predisposition. Last evaluated: 2025-11-13. Review status: criteria provided, single submitter. Criteria: Invitae Variant Classification Sherloc (09022015). Collection method: clinical testing. Allele origin: germline. Not counted in ClinVar's aggregate classification.

Ambry Genetics
Classification: Likely benign for Hereditary cancer-predisposing syndrome. Last evaluated: 2025-10-23. Review status: criteria provided, single submitter. Criteria: Ambry Variant Classification Scheme 2023. Collection method: clinical testing. Allele origin: germline. Not counted in ClinVar's aggregate classification.

Center for Genomic Medicine, Rigshospitalet, Copenhagen University Hospital
Classification: Uncertain significance. Last evaluated: 2025-03-04. Review status: criteria provided, single submitter. Criteria: ACMG Guidelines, 2015. Collection method: clinical testing. Allele origin: germline. Not counted in ClinVar's aggregate classification.

GeneDx
Classification: Uncertain significance. Last evaluated: 2023-12-12. Review status: criteria provided, single submitter. Criteria: GeneDx Variant Classification Process June 2021. Collection method: clinical testing. Allele origin: germline. Affected: yes. Not counted in ClinVar's aggregate classification.
Comment: In silico analysis supports that this missense variant does not alter protein structure/function; Has not been previously published as pathogenic or benign to our knowledge

Baylor Genetics
Classification: Uncertain significance for Global developmental delay - lung cysts - overgrowth - Wilms tumor syndrome. Last evaluated: 2023-10-17. Review status: criteria provided, single submitter. Criteria: ACMG Guidelines, 2015. Collection method: clinical testing. Allele origin: unknown. Not counted in ClinVar's aggregate classification.

Sema4
Classification: Uncertain significance for Hereditary cancer-predisposing syndrome. Last evaluated: 2021-08-05. Review status: criteria provided, single submitter. Criteria: Sema4 Curation Guidelines. Collection method: curation. Allele origin: germline. Not counted in ClinVar's aggregate classification.
Comment: The DICER1 c.2951A>G (p.N984S) variant has not been reported in the literature to our knowledge. It was observed in 5/24694 chromosomes of the African/African American subpopulation in the large and broad cohorts of the Genome Aggregation Database. The variant has been reported in ClinVar (Variation ID 412193). Functional studies have not been performed, and in silico predictions of the variant's effect on protein function are inconclusive. The evidence is insufficient to meet ACMG/AMP criteria for classifying the variant as benign or pathogenic. Thus, the clinical significance of this variant is currently uncertain.

Illumina Laboratory Services, Illumina
Classification: Uncertain significance for Pleuropulmonary blastoma. Last evaluated: 2018-01-13. Review status: criteria provided, single submitter. Criteria: ICSL Variant Classification Criteria 13 December 2019. Collection method: clinical testing. Allele origin: germline. Not counted in ClinVar's aggregate classification.

NM_177438.3(DICER1):c.2951A>G (p.Asn984Ser)

Gene: DICER1 (dicer 1, ribonuclease III; minus strand). Cytogenetic location: 14q32.13.
Variant type: single nucleotide variant.
Coding change: c.2951A>G on transcript NM_177438.3 (MANE Select); coding-DNA position 2951, A replaced by G.
Protein change: p.Asn984Ser; replaces asparagine 984 with serine.
Molecular consequence: missense variant.
Genome position (GRCh38, 1-based): chr14:95,106,077, T>C on the plus strand (A>G on the coding strand, the complement: DICER1 is on the minus strand). VCF-style: chr14-95106077-T-C. GRCh37 (hg19) VCF-style: chr14-95572414-T-C.
Other names: NM_177438.3(DICER1):c.2951A>G; p.Asn984Ser; c.2951A>G, p.Asn984Ser (NM_001195573.1, NM_001271282.3, NM_001291628.2 and 1 more transcripts); short protein forms N984S.
Identifiers: ClinVar variation 412193 (VCV000412193.28), dbSNP rs750932552, ClinGen allele CA7331148.